The following is an entry in ClinVar:

ClinVar aggregate classification (germline): Uncertain significance. Review status: criteria provided, multiple submitters, no conflicts (2 of 4 stars). 2 submissions from 2 submitters: Uncertain significance (2). Last evaluated 2025-03-11.

Conditions:
SEMA3G-related disorder. Also called: SEMA3G-related condition.

Allele frequency attached by ClinVar (database versions not stated): TOPMed below 0.00001.
gnomAD v4.1: 7 of 1,302,908 alleles (0.00054%); highest among the groups gnomAD compares: East Asian, 0.0062%; no homozygotes.

Submissions (2):

PreventionGenetics, part of Exact Sciences
Classification: Uncertain significance for SEMA3G-related condition. Last evaluated: 2025-03-11. Review status: criteria provided, single submitter. Criteria: ACMG Guidelines, 2015. Collection method: clinical testing. Allele origin: germline.
Comment: The SEMA3G c.101G>A variant is predicted to result in the amino acid substitution p.Arg34Gln. To our knowledge, this variant has not been reported in the literature or in a large population database (gnomAD), indicating this variant is rare. At this time, the clinical significance of this variant is uncertain due to the absence of conclusive functional and genetic evidence.

Ambry Genetics
Classification: Uncertain significance. Last evaluated: 2024-11-13. Review status: criteria provided, single submitter. Criteria: Ambry Variant Classification Scheme 2023. Collection method: clinical testing. Allele origin: germline.

NM_020163.3(SEMA3G):c.101G>A (p.Arg34Gln)

Gene: SEMA3G (semaphorin 3G; minus strand). Cytogenetic location: 3p21.1.
Variant type: single nucleotide variant.
Coding change: c.101G>A on transcript NM_020163.3 (MANE Select); coding-DNA position 101, G replaced by A.
Protein change: p.Arg34Gln; replaces arginine 34 with glutamine.
Molecular consequence: missense variant.
Genome position (GRCh38, 1-based): chr3:52,444,927, C>T on the plus strand (G>A on the coding strand, the complement: SEMA3G is on the minus strand). VCF-style: chr3-52444927-C-T. GRCh37 (hg19) VCF-style: chr3-52478943-C-T.
Other names: c.101G>A (NM_020163.1); short protein forms R34Q.
Identifiers: ClinVar variation 2632021 (VCV002632021.3), dbSNP rs1706238015, ClinGen allele CA353162315.